The following is an entry in ClinVar:

ClinVar aggregate classification (germline): Benign/Likely benign. Review status: criteria provided, multiple submitters, no conflicts (2 of 4 stars). 2 submissions from 2 submitters: Benign (1); Likely benign (1). Last evaluated 2022-03-01.

Allele frequency attached by ClinVar (database versions not stated): gnomAD exomes 0.00007 and 0.00013; ExAC 0.00016; 1000 Genomes Project 30x 0.00031; 1000 Genomes Project 0.00040; gnomAD 0.00040 and 0.00049; ESP Exome Variant Server 0.00055; TOPMed 0.00058.
gnomAD v4.1: 180 of 1,613,894 alleles (0.011%); highest among the groups gnomAD compares: African/African-American, 0.16%; no homozygotes.

Submissions (2):

CeGaT Center for Human Genetics Tuebingen
Classification: Benign. Last evaluated: 2022-03-01. Review status: criteria provided, single submitter. Criteria: CeGaT Center For Human Genetics Tuebingen Variant Classification Criteria Version 2. Collection method: clinical testing. Allele origin: germline. Affected: yes. Observed: 1 variant allele.
Comment: GABRA5: BS1, BS2; GABRB3: BS1, BS2

Labcorp Genetics (formerly Invitae), Labcorp
Classification: Likely benign. Last evaluated: 2019-12-31. Review status: criteria provided, single submitter. Criteria: Invitae Variant Classification Sherloc (09022015). Collection method: clinical testing. Allele origin: germline.

NM_000810.4(GABRA5):c.222G>A (p.Gln74=)

Genes: GABRA5 (gamma-aminobutyric acid type A receptor subunit alpha5; plus strand), GABRB3 (gamma-aminobutyric acid type A receptor subunit beta3; minus strand). Cytogenetic location: 15q12.
Variant type: single nucleotide variant.
Coding change: c.222G>A on transcript NM_000810.4 (MANE Select); coding-DNA position 222, G replaced by A.
Protein change: p.Gln74=; no amino-acid change (glutamine 74 retained).
Molecular consequence: synonymous variant.
Genome position (GRCh38, 1-based): chr15:26,883,179, G>A. VCF-style: chr15-26883179-G-A. GRCh37 (hg19) VCF-style: chr15-27128326-G-A.
Other names: c.222G>A, p.Gln74= (NM_001165037.2).
Identifiers: ClinVar variation 730013 (VCV000730013.28), dbSNP rs375315395, ClinGen allele CA7437742.